The following is an entry in ClinVar:

NM_004818.3(DDX23):c.2375C>G (p.Pro792Arg)

Gene: DDX23 (DEAD-box helicase 23; minus strand). Cytogenetic location: 12q13.12.
Variant type: single nucleotide variant.
Coding change: c.2375C>G on transcript NM_004818.3 (MANE Select); coding-DNA position 2375, C replaced by G.
Protein change: p.Pro792Arg; replaces proline 792 with arginine.
Molecular consequence: missense variant.
Genome position (GRCh38, 1-based): chr12:48,830,557, G>C on the plus strand (C>G on the coding strand, the complement: DDX23 is on the minus strand). VCF-style: chr12-48830557-G-C. GRCh37 (hg19) VCF-style: chr12-49224340-G-C.
Other names: short protein forms P792R.
Identifiers: ClinVar variation 3391250 (VCV003391250.1).

ClinVar aggregate classification (germline): Uncertain significance (1 of 4 stars; one submission).

Conditions:
Neurodevelopmental disorder with visual defects and brain anomalies. Identifiers: MedGen C5231404, MONDO:0032807, OMIM 618547.

Submission:

Neuberg Centre For Genomic Medicine, NCGM
Classification: Uncertain significance for Neurodevelopmental disorder with visual defects and brain anomalies. Last evaluated: 2023-07-22. Review status: criteria provided, single submitter. Criteria: ACMG Guidelines, 2015. Collection method: clinical testing. Allele origin: germline. Inheritance: Autosomal dominant inheritance. Affected: yes.
Comment: The observed missense variant c.2375C>Gp.Pro792Arg in DDX23 gene has not been reported previously as a pathogenic variant nor as a benign variant, to our knowledge. The p.Pro792Arg variant is absent in gnomAD Exomes. The amino acid Pro at position 792 is changed to a Arg changing protein sequence and it might alter its composition and physico-chemical properties. The amino acid change p.Pro792Arg in DDX23 is predicted as conserved by GERP++ and PhyloP across 100 vertebrates. Multiple lines of computational evidence Polyphen-probably damaging, SIFT-damaging and Mutation Taster-disease causing predict a damaging effect on protein structure and function for this variant. For these reasons, this variant has been classified as Uncertain Significance.